The following is an entry in ClinVar:

NM_000548.5(TSC2):c.1210C>T (p.Gln404Ter)

Gene: TSC2 (TSC complex subunit 2; plus strand). Cytogenetic location: 16p13.3.
Variant type: single nucleotide variant.
Coding change: c.1210C>T on transcript NM_000548.5 (MANE Select); coding-DNA position 1210, C replaced by T.
Protein change: p.Gln404Ter; replaces glutamine 404 with a stop codon.
Molecular consequence: nonsense.
Genome position (GRCh38, 1-based): chr16:2,061,961, C>T. VCF-style: chr16-2061961-C-T. GRCh37 (hg19) VCF-style: chr16-2111962-C-T.
Other names: c.1210C>T, p.Gln404Ter (NM_001077183.3, NM_001114382.3, NM_001363528.2 and 3 more transcripts); c.1099C>T, p.Gln367Ter (NM_001318827.2); c.1063C>T, p.Gln355Ter (NM_001318829.2); c.610C>T, p.Gln204Ter (NM_001318831.2); c.1243C>T, p.Gln415Ter (NM_001318832.2); c.1210C>T (NM_000548.4); short protein forms Q404*, Q367*, Q204*, Q355*, Q415*.
Identifiers: ClinVar variation 49676 (VCV000049676.10), dbSNP rs45457701, ClinGen allele CA014047.

ClinVar aggregate classification (germline): Pathogenic. Review status: criteria provided, multiple submitters, no conflicts (2 of 4 stars). 4 submissions from 4 submitters: Pathogenic (3). 1 of the submissions does not count toward it. Last evaluated 2025-03-23.

Conditions:
TSC2-related disorder. Also called: TSC2-related condition; TSC2-Related Disorders.
Tuberous sclerosis syndrome (TSC). Also called: Tuberous Sclerosis Complex; Tuberous sclerosis. Identifiers: Orphanet 805, MedGen C0041341, MONDO:0001734.
Hereditary cancer-predisposing syndrome. Also called: Neoplastic Syndromes, Hereditary; Tumor predisposition; Hereditary Cancer Syndrome; Hereditary neoplastic syndrome. Identifiers: Orphanet 140162, MedGen C0027672, MeSH D009386, MONDO:0015356.
Tuberous sclerosis 2 (TSC2). Identifiers: Orphanet 805, MedGen C1860707, MONDO:0013199, OMIM 613254.

Submissions (4):

Molecular Diagnostics Laboratory, Catalan Institute of Oncology
Classification: Pathogenic for Hereditary cancer-predisposing syndrome. Last evaluated: 2025-03-23. Review status: criteria provided, single submitter. Criteria: ACMG Guidelines, 2015. Collection method: clinical testing. Allele origin: germline.
Comment: PVS1, PM2_Supporting, PP4 c.1210C>T, located in exon 12 of the TSC2 gene, is a nonsense variant expected to result in loss of function by premature protein truncation and nonsense-mediated mRNA decay, p.(Gln404*)(PVS1). It is not present in the population database gnomAD v2.1.1, non cancer dataset (PM2_Supporting). The SpliceAI algorithm predicts no significant impact on splicing. TSC2 c.2108G>A has been identified in two patients affected with angiomyolipoma (PMID: 21949787 and internal data)(PP4). To our knowledge, functional studies have not been reported for this variant. In adition, this variant has been reported in the ClinVar database (2x pathogenic) and in the LOVD database (9x pathogenic, 1x not classified). Based on currently available information, the variant c.1210C>T is classified as a pathogenic variant according to ACMG guidelines.

PreventionGenetics, part of Exact Sciences
Classification: Pathogenic for TSC2-related condition. Last evaluated: 2023-03-10. Review status: criteria provided, single submitter. Criteria: ACMG Guidelines, 2015. Collection method: clinical testing. Allele origin: germline.
Comment: The TSC2 c.1210C>T variant is predicted to result in premature protein termination (p.Gln404*). To our knowledge, this variant has not been reported in the literature or in a large population database, indicating this variant is rare. This variant is interpreted as pathogenic in ClinVar. Nonsense variants in TSC2 are expected to be pathogenic. This variant is interpreted as pathogenic.

Labcorp Genetics (formerly Invitae), Labcorp
Classification: Pathogenic for Tuberous sclerosis 2. Last evaluated: 2020-07-09. Review status: criteria provided, single submitter. Criteria: Invitae Variant Classification Sherloc (09022015). Collection method: clinical testing. Allele origin: germline.
Comment: This variant is not present in population databases (ExAC no frequency). This variant has been reported in individuals in the Leiden Open-source Variation Database (PMID: 21520333). ClinVar contains an entry for this variant (Variation ID: 49676). Loss-of-function variants in TSC2 are known to be pathogenic (PMID: 10205261, 17304050). For these reasons, this variant has been classified as Pathogenic. This sequence change creates a premature translational stop signal (p.Gln404*) in the TSC2 gene. It is expected to result in an absent or disrupted protein product.

Tuberous sclerosis database (TSC2)
No classification provided. Condition: TSC. Review status: no classification provided. Criteria: Tuberous Sclerosis Database Assertion Criteria 2015. Collection method: curation. Allele origin: germline. Affected: yes. Not counted in ClinVar's aggregate classification.

Literature cited by the submitters: PubMed 21520333 (cited by Labcorp Genetics (formerly Invitae), Labcorp); PubMed 10205261 (cited by Labcorp Genetics (formerly Invitae), Labcorp); PubMed 17304050 (cited by Labcorp Genetics (formerly Invitae), Labcorp).